The following is an entry in ClinVar:

NM_000414.4(HSD17B4):c.112+3A>T

Gene: HSD17B4 (hydroxysteroid 17-beta dehydrogenase 4; plus strand). Cytogenetic location: 5q23.1.
Variant type: single nucleotide variant.
Coding change: c.112+3A>T on transcript NM_000414.4 (MANE Select); 3 bases into the intron after coding-DNA position 112, A replaced by T.
Molecular consequence: intron variant.
Genome position (GRCh38, 1-based): chr5:119,456,371, A>T. VCF-style: chr5-119456371-A-T. GRCh37 (hg19) VCF-style: chr5-118792066-A-T.
Other names: c.-370+3A>T (NM_001374503.1); c.122+3A>T (NM_001199291.3); c.-234+3A>T (NM_001374499.1); c.-305+3A>T (NM_001374502.1); c.-427+3A>T (NM_001374500.1); c.-300+3A>T (NM_001374501.1, NM_001292028.2); c.-26+3A>T (NM_001292027.2); c.112+3A>T (NM_001374498.1, NM_001374497.1); and 1 more.
Identifiers: ClinVar variation 4978036 (VCV004978036.1).

ClinVar aggregate classification (germline): Uncertain significance (1 of 4 stars; one submission).

Conditions:
HSD17B4-related disorder. Also called: HSD17B4-related condition; HSD17B4-related disorders.

gnomAD v4.1: 4 of 1,592,244 alleles (0.00025%); highest among the groups gnomAD compares: Non-Finnish European, 0.00034%; no homozygotes.

Submission:

PreventionGenetics, part of Exact Sciences
Classification: Uncertain significance for HSD17B4-related condition. Last evaluated: 2025-12-11. Review status: criteria provided, single submitter. Criteria: ACMG Guidelines, 2015. Collection method: clinical testing. Allele origin: germline.
Comment: The HSD17B4 c.112+3A>T variant is predicted to interfere with splicing. To our knowledge, this variant has not been reported in the literature. This variant is reported in 0.00088% of alleles in individuals of European (Non-Finnish) descent in gnomAD. At this time, the clinical significance of this variant is uncertain due to the absence of conclusive functional and genetic evidence.